The following is an entry in ClinVar:

ClinVar aggregate classification (germline): Uncertain significance (1 of 4 stars; one submission).

Allele frequency attached by ClinVar (database versions not stated): gnomAD exomes below 0.00001 and 0.00001.

Submission:

Labcorp Genetics (formerly Invitae), Labcorp
Classification: Uncertain significance. Last evaluated: 2024-10-22. Review status: criteria provided, single submitter. Criteria: Invitae Variant Classification Sherloc (09022015). Collection method: clinical testing. Allele origin: germline.
Comment: This sequence change replaces glycine, which is neutral and non-polar, with serine, which is neutral and polar, at codon 80 of the SAG protein (p.Gly80Ser). The frequency data for this variant in the population databases is considered unreliable, as metrics indicate poor data quality at this position in the gnomAD database. This variant has not been reported in the literature in individuals affected with SAG-related conditions. ClinVar contains an entry for this variant (Variation ID: 1402728). Invitae Evidence Modeling of protein sequence and biophysical properties (such as structural, functional, and spatial information, amino acid conservation, physicochemical variation, residue mobility, and thermodynamic stability) indicates that this missense variant is expected to disrupt SAG protein function with a positive predictive value of 80%. In summary, the available evidence is currently insufficient to determine the role of this variant in disease. Therefore, it has been classified as a Variant of Uncertain Significance.

NM_000541.5(SAG):c.238G>A (p.Gly80Ser)

Gene: SAG (S-antigen visual arrestin; plus strand). Cytogenetic location: 2q37.1.
Variant type: single nucleotide variant.
Coding change: c.238G>A on transcript NM_000541.5 (MANE Select); coding-DNA position 238, G replaced by A.
Protein change: p.Gly80Ser; replaces glycine 80 with serine.
Molecular consequence: missense variant.
Genome position (GRCh38, 1-based): chr2:233,320,686, G>A. VCF-style: chr2-233320686-G-A. GRCh37 (hg19) VCF-style: chr2-234229332-G-A.
Other names: short protein forms G80S.
Identifiers: ClinVar variation 1402728 (VCV001402728.6), dbSNP rs1356753192, ClinGen allele CA351046285.